The following is an entry in ClinVar:

NM_001010867.4(IBA57):c.341+9G>A

Gene: IBA57 (iron-sulfur cluster assembly factor IBA57; plus strand). Cytogenetic location: 1q42.13.
Variant type: single nucleotide variant.
Coding change: c.341+9G>A on transcript NM_001010867.4 (MANE Select); 9 bases into the intron after coding-DNA position 341, G replaced by A.
Molecular consequence: intron variant.
Genome position (GRCh38, 1-based): chr1:228,166,166, G>A. VCF-style: chr1-228166166-G-A. GRCh37 (hg19) VCF-style: chr1-228353867-G-A.
Other names: p.?; c.341+9G>A (NM_001010867.3).
Identifiers: ClinVar variation 1621891 (VCV001621891.12), dbSNP rs370043210, ClinGen allele CA1431111.

ClinVar aggregate classification (germline): Likely benign. Review status: criteria provided, multiple submitters, no conflicts (2 of 4 stars). 5 submissions from 5 submitters: Likely benign (4). 1 of the submissions does not count toward it. Last evaluated 2026-01-20.

Conditions:
Multiple mitochondrial dysfunctions syndrome 3 (MMDS3). Identifiers: Orphanet 363424, MedGen C3809165, MONDO:0014132, OMIM 615330.
Hereditary spastic paraplegia 74. Also called: Spastic paraplegia 74, autosomal recessive. Identifiers: Orphanet 468661, MedGen C5568837, MONDO:0014644, OMIM 616451.
IBA57-related disorder. Also called: IBA57-related condition.

Allele frequency attached by ClinVar (database versions not stated): TOPMed 0.00032; gnomAD 0.00034; ESP Exome Variant Server 0.00042; gnomAD exomes 0.00053; ExAC 0.00213.
gnomAD v4.1: 472 of 1,454,186 alleles (0.032%); highest among the groups gnomAD compares: Middle Eastern, 0.18%; 1 homozygote.

Submissions (5):

Labcorp Genetics (formerly Invitae), Labcorp
Classification: Likely benign for Multiple mitochondrial dysfunctions syndrome 3; Hereditary spastic paraplegia 74. Last evaluated: 2026-01-20. Review status: criteria provided, single submitter. Criteria: Invitae Variant Classification Sherloc (09022015). Collection method: clinical testing. Allele origin: germline.

Mayo Clinic Laboratories, Mayo Clinic
Classification: Likely benign. Last evaluated: 2025-09-09. Review status: criteria provided, single submitter. Criteria: ACMG Guidelines, 2015. Collection method: clinical testing. Allele origin: germline. Observed: 6 variant alleles.
Comment: BS1, BP4, BP7

Blueprint Genetics
Classification: Likely benign. Last evaluated: 2024-09-24. Review status: criteria provided, single submitter. Criteria: ACMG Guidelines, 2015. Collection method: clinical testing. Allele origin: germline.

Breakthrough Genomics
Classification: Likely benign. Review status: criteria provided, single submitter. Criteria: ACMG Guidelines, 2015. Collection method: not provided. Allele origin: germline. Inheritance: Autosomal recessive inheritance. Affected: yes.

PreventionGenetics, part of Exact Sciences
Classification: Likely benign for IBA57-related condition. Last evaluated: 2019-05-07. Review status: no assertion criteria provided. Collection method: clinical testing. Allele origin: germline. Not counted in ClinVar's aggregate classification.
Comment: This variant is classified as likely benign based on ACMG/AMP sequence variant interpretation guidelines (Richards et al. 2015 PMID: 25741868, with internal and published modifications).